The following is an entry in ClinVar:

ClinVar aggregate classification (germline): Uncertain significance (1 of 4 stars; one submission).

Allele frequency attached by ClinVar (database versions not stated): gnomAD exomes below 0.00001; TOPMed below 0.00001; gnomAD 0.00001.
gnomAD v4.1: 3 of 1,614,094 alleles (0.00019%); highest among the groups gnomAD compares: African/African-American, 0.004%; no homozygotes.

Submission:

Labcorp Genetics (formerly Invitae), Labcorp
Classification: Uncertain significance. Last evaluated: 2022-05-24. Review status: criteria provided, single submitter. Criteria: Invitae Variant Classification Sherloc (09022015). Collection method: clinical testing. Allele origin: germline.
Comment: This sequence change replaces tyrosine, which is neutral and polar, with phenylalanine, which is neutral and non-polar, at codon 481 of the RUSC2 protein (p.Tyr481Phe). This variant is present in population databases (no rsID available, gnomAD 0.007%). This variant has not been reported in the literature in individuals affected with RUSC2-related conditions. Algorithms developed to predict the effect of missense changes on protein structure and function are either unavailable or do not agree on the potential impact of this missense change (SIFT: "Deleterious"; PolyPhen-2: "Probably Damaging"; Align-GVGD: "Class C15"). In summary, the available evidence is currently insufficient to determine the role of this variant in disease. Therefore, it has been classified as a Variant of Uncertain Significance.

NM_014806.5(RUSC2):c.1442A>T (p.Tyr481Phe)

Gene: RUSC2 (RUN and SH3 domain containing 2; plus strand). Cytogenetic location: 9p13.3.
Variant type: single nucleotide variant.
Coding change: c.1442A>T on transcript NM_014806.5 (MANE Select); coding-DNA position 1442, A replaced by T.
Protein change: p.Tyr481Phe; replaces tyrosine 481 with phenylalanine.
Molecular consequence: missense variant. On other transcripts: non-coding transcript variant (1), intron variant (1).
Genome position (GRCh38, 1-based): chr9:35,547,963, A>T. VCF-style: chr9-35547963-A-T. GRCh37 (hg19) VCF-style: chr9-35547960-A-T.
Other names: c.1442A>T, p.Tyr481Phe (NM_001135999.2); c.-620-7097A>T (NM_001330740.2); short protein forms Y481F.
Identifiers: ClinVar variation 1995909 (VCV001995909.4), dbSNP rs1197749222, ClinGen allele CA373333196.